The following is an entry in ClinVar:

NM_006231.4(POLE):c.6346A>C (p.Thr2116Pro)

Gene: POLE (DNA polymerase epsilon, catalytic subunit; minus strand). Cytogenetic location: 12q24.33.
Variant type: single nucleotide variant.
Coding change: c.6346A>C on transcript NM_006231.4 (MANE Select); coding-DNA position 6346, A replaced by C.
Protein change: p.Thr2116Pro; replaces threonine 2116 with proline.
Molecular consequence: missense variant.
Genome position (GRCh38, 1-based): chr12:132,626,302, T>G on the plus strand (A>C on the coding strand, the complement: POLE is on the minus strand). VCF-style: chr12-132626302-T-G. GRCh37 (hg19) VCF-style: chr12-133202888-T-G.
Other names: short protein forms T2116P.
Identifiers: ClinVar variation 540800 (VCV000540800.17), dbSNP rs1035102321, ClinGen allele CA246286894.

ClinVar aggregate classification (germline): Uncertain significance. Review status: criteria provided, multiple submitters, no conflicts (2 of 4 stars). 5 submissions from 5 submitters: Uncertain significance (5). Last evaluated 2025-11-01.

Conditions:
Familial colorectal cancer type X. Identifiers: Orphanet 440437, MedGen C3896578, MONDO:0018604.
Polymerase proofreading-related adenomatous polyposis. Also called: Polymerase proofreading associated polyposis; Polymerase proofreading–associated polyposis (PPAP). Identifiers: Orphanet 447877, MedGen C5202613, MONDO:0018653.
Hereditary cancer-predisposing syndrome. Also called: Hereditary Cancer Syndrome; Neoplastic Syndromes, Hereditary; Tumor predisposition; Hereditary neoplastic syndrome. Identifiers: Orphanet 140162, MedGen C0027672, MeSH D009386, MONDO:0015356.

Allele frequency attached by ClinVar (database versions not stated): gnomAD exomes 0.00001.

Submissions (5):

Labcorp Genetics (formerly Invitae), Labcorp
Classification: Uncertain significance. Last evaluated: 2025-11-01. Review status: criteria provided, single submitter. Criteria: Invitae Variant Classification Sherloc (09022015). Collection method: clinical testing. Allele origin: germline.
Comment: This sequence change replaces threonine, which is neutral and polar, with proline, which is neutral and non-polar, at codon 2116 of the POLE protein (p.Thr2116Pro). This variant is not present in population databases (gnomAD no frequency). This variant has not been reported in the literature in individuals affected with POLE-related conditions. ClinVar contains an entry for this variant (Variation ID: 540800). Invitae Evidence Modeling of protein sequence and biophysical properties (such as structural, functional, and spatial information, amino acid conservation, physicochemical variation, residue mobility, and thermodynamic stability) indicates that this missense variant is not expected to disrupt POLE protein function with a negative predictive value of 80%. In summary, the available evidence is currently insufficient to determine the role of this variant in disease. Therefore, it has been classified as a Variant of Uncertain Significance.

Ambry Genetics
Classification: Uncertain significance for Hereditary cancer-predisposing syndrome. Last evaluated: 2025-09-10. Review status: criteria provided, single submitter. Criteria: Ambry Variant Classification Scheme 2023. Collection method: clinical testing. Allele origin: germline.
Comment: The p.T2116P variant (also known as c.6346A>C), located in coding exon 46 of the POLE gene, results from an A to C substitution at nucleotide position 6346. The threonine at codon 2116 is replaced by proline, an amino acid with highly similar properties. This amino acid position is conserved. In addition, this alteration is predicted to be tolerated by in silico analysis. Based on the available evidence, the clinical significance of this variant remains unclear.

Blueprint Genetics
Classification: Uncertain significance. Last evaluated: 2024-02-19. Review status: criteria provided, single submitter. Criteria: ACMG Guidelines, 2015. Collection method: clinical testing. Allele origin: germline.

GeneDx
Classification: Uncertain significance. Last evaluated: 2023-10-19. Review status: criteria provided, single submitter. Criteria: GeneDx Variant Classification Process June 2021. Collection method: clinical testing. Allele origin: germline. Affected: yes.
Comment: Not observed at significant frequency in large population cohorts (gnomAD); In silico analysis supports that this missense variant does not alter protein structure/function; Has not been previously published as pathogenic or benign to our knowledge

Department of Pathology and Laboratory Medicine, Sinai Health System
Classification: Uncertain significance for Polymerase proofreading-related adenomatous polyposis; Familial colorectal cancer type X. Last evaluated: 2021-07-15. Review status: criteria provided, single submitter. Criteria: ACMG Guidelines, 2015. Collection method: clinical testing. Allele origin: germline. Affected: yes.